The following is an entry in ClinVar:

ClinVar aggregate classification (germline): Uncertain significance (1 of 4 stars; one submission).

Conditions:
Hereditary cancer-predisposing syndrome. Also called: Hereditary Cancer Syndrome; Neoplastic Syndromes, Hereditary; Tumor predisposition; Hereditary neoplastic syndrome. Identifiers: Orphanet 140162, MedGen C0027672, MeSH D009386, MONDO:0015356.

Submission:

Color Diagnostics, LLC DBA Color Health
Classification: Uncertain significance for Hereditary cancer-predisposing syndrome. Last evaluated: 2023-12-05. Review status: criteria provided, single submitter. Criteria: ACMG Guidelines, 2015. Collection method: clinical testing. Allele origin: germline.
Comment: This missense variant replaces threonine with serine at codon 1735 of the ATM protein. Computational prediction suggests that this variant may not impact protein structure and function (internally defined REVEL score threshold <= 0.5, PMID: 27666373). To our knowledge, functional studies have not been reported for this variant. This variant has not been reported in individuals affected with ATM-related disorders in the literature. This variant has not been identified in the general population by the Genome Aggregation Database (gnomAD). The available evidence is insufficient to determine the role of this variant in disease conclusively. Therefore, this variant is classified as a Variant of Uncertain Significance.

NM_000051.4(ATM):c.5204C>G (p.Thr1735Ser)

Gene: ATM (ATM serine/threonine kinase; plus strand). Cytogenetic location: 11q22.3.
Variant type: single nucleotide variant.
Coding change: c.5204C>G on transcript NM_000051.4 (MANE Select); coding-DNA position 5204, C replaced by G.
Protein change: p.Thr1735Ser; replaces threonine 1735 with serine.
Molecular consequence: missense variant.
Genome position (GRCh38, 1-based): chr11:108,301,674, C>G. VCF-style: chr11-108301674-C-G. GRCh37 (hg19) VCF-style: chr11-108172401-C-G.
Other names: c.5204C>G, p.Thr1735Ser (NM_001351834.2); short protein forms T1735S.
Identifiers: ClinVar variation 490606 (VCV000490606.6), dbSNP rs1555105650, ClinGen allele CA382542215.